The following is an entry in ClinVar:

ClinVar aggregate classification (germline): Uncertain significance (1 of 4 stars; one submission).

Conditions:
Nemaline myopathy 2 (NEM2). Also called: Nemaline myopathy 2, autosomal recessive. Identifiers: MedGen C1850569, MONDO:0009725, OMIM 256030.

Allele frequency attached by ClinVar (database versions not stated): gnomAD exomes below 0.00001 and 0.00001; ExAC 0.00001.
gnomAD v4.1: 4 of 1,613,536 alleles (0.00025%); highest among the groups gnomAD compares: Non-Finnish European, 0.00034%; no homozygotes.

Submission:

Labcorp Genetics (formerly Invitae), Labcorp
Classification: Uncertain significance for Nemaline myopathy 2. Last evaluated: 2021-08-31. Review status: criteria provided, single submitter. Criteria: Invitae Variant Classification Sherloc (09022015). Collection method: clinical testing. Allele origin: germline.
Comment: This sequence change replaces tyrosine with cysteine at codon 1052 of the NEB protein (p.Tyr1052Cys). The tyrosine residue is moderately conserved and there is a large physicochemical difference between tyrosine and cysteine. This variant is present in population databases (rs758214665, ExAC 0.001%). This variant has not been reported in the literature in individuals affected with NEB-related conditions. Algorithms developed to predict the effect of missense changes on protein structure and function are either unavailable or do not agree on the potential impact of this missense change (SIFT: "Deleterious"; PolyPhen-2: "Not Available"; Align-GVGD: "Class C0"). In summary, the available evidence is currently insufficient to determine the role of this variant in disease. Therefore, it has been classified as a Variant of Uncertain Significance.

NM_001164508.2(NEB):c.3155A>G (p.Tyr1052Cys)

Gene: NEB (nebulin; minus strand). Cytogenetic location: 2q23.3.
Variant type: single nucleotide variant.
Coding change: c.3155A>G on transcript NM_001164508.2 (MANE Select); coding-DNA position 3155, A replaced by G.
Protein change: p.Tyr1052Cys; replaces tyrosine 1052 with cysteine.
Molecular consequence: missense variant.
Genome position (GRCh38, 1-based): chr2:151,679,821, T>C on the plus strand (A>G on the coding strand, the complement: NEB is on the minus strand). VCF-style: chr2-151679821-T-C. GRCh37 (hg19) VCF-style: chr2-152536335-T-C.
Other names: c.3155A>G, p.Tyr1052Cys (NM_001164507.2, NM_001271208.2, NM_004543.5); short protein forms Y1052C.
Identifiers: ClinVar variation 646616 (VCV000646616.6), dbSNP rs758214665, ClinGen allele CA1910986.
Genomic context (GRCh38, chr2:151,679,821, plus strand): 5'-GGAATCGCATCAGTTCTCAGGTCATATCCCTTCTTGCTCAAGTCTTTCAAGTCTGCTTTG[T>C]ACATATTCTGAAAGAAAAATGTCATTTAAGTACAACTTAGAGACTGTGTTAGTAAAGTCT-3'
Protein context (NP_001157980.2, residues 1042-1062): VNAYNISENM[Tyr1052Cys]KADLKDLSKK